The following is an entry in ClinVar:

NM_001814.6(CTSC):c.881A>G (p.Tyr294Cys)

Gene: CTSC (cathepsin C; minus strand). Cytogenetic location: 11q14.2.
Variant type: single nucleotide variant.
Coding change: c.881A>G on transcript NM_001814.6 (MANE Select); coding-DNA position 881, A replaced by G.
Protein change: p.Tyr294Cys; replaces tyrosine 294 with cysteine.
Molecular consequence: missense variant.
Genome position (GRCh38, 1-based): chr11:88,296,141, T>C on the plus strand (A>G on the coding strand, the complement: CTSC is on the minus strand). VCF-style: chr11-88296141-T-C. GRCh37 (hg19) VCF-style: chr11-88029309-T-C.
Other names: short protein forms Y294C.
Identifiers: ClinVar variation 2004051 (VCV002004051.4), dbSNP rs2496532692, ClinGen allele CA382022373.
Genomic context (GRCh38, chr11:88,296,141, plus strand): 5'-AGCTGCACACAGGTAAATAGCTCATAAATGGTGTCTGAAATGCAACACTTACCTTGAGCA[T>C]ACTGGCTACAAGACACAACCTCCTGAGGGCTTAGGATTGGGGTCTGAGAATTGTTGGTTA-3'
Protein context (NP_001805.4, residues 284-304): SPQEVVSCSQ[Tyr294Cys]AQGCEGGFPY

ClinVar aggregate classification (germline): Uncertain significance (1 of 4 stars; one submission).

Conditions:
Periodontitis, aggressive. Identifiers: MedGen C0031106, MONDO:0980757.
Haim-Munk syndrome (HMS). Also called: COCHIN JEWISH DISORDER; KERATOSIS PALMOPLANTARIS WITH PERIODONTOPATHIA AND ONYCHOGRYPOSIS. Identifiers: Orphanet 2342, MedGen C1855627, MONDO:0009491, OMIM 245010.
Papillon-Lefèvre syndrome (PALS). Also called: KERATOSIS PALMOPLANTARIS WITH PERIODONTOPATHIA; Papillon-Lefevre Disease. Identifiers: Orphanet 678, MedGen C0030360, MONDO:0009490, OMIM 245000.

Submission:

Labcorp Genetics (formerly Invitae), Labcorp
Classification: Uncertain significance for Haim-Munk syndrome; Periodontitis, aggressive; Papillon-Lefèvre syndrome. Last evaluated: 2022-06-09. Review status: criteria provided, single submitter. Criteria: Invitae Variant Classification Sherloc (09022015). Collection method: clinical testing. Allele origin: germline.
Comment: This missense change has been observed in individual(s) with Papillon-Lefevre syndrome (PMID: 26957212). This variant is not present in population databases (gnomAD no frequency). This sequence change replaces tyrosine, which is neutral and polar, with cysteine, which is neutral and slightly polar, at codon 294 of the CTSC protein (p.Tyr294Cys). Algorithms developed to predict the effect of missense changes on protein structure and function are either unavailable or do not agree on the potential impact of this missense change (SIFT: "Not Available"; PolyPhen-2: "Probably Damaging"; Align-GVGD: "Not Available"). In summary, the available evidence is currently insufficient to determine the role of this variant in disease. Therefore, it has been classified as a Variant of Uncertain Significance.

Literature cited by the submitters: PubMed 26957212.